The following is an entry in ClinVar:

NM_000384.3(APOB):c.5621G>A (p.Gly1874Glu)

Gene: APOB (apolipoprotein B; minus strand). Cytogenetic location: 2p24.1.
Variant type: single nucleotide variant.
Coding change: c.5621G>A on transcript NM_000384.3 (MANE Select); coding-DNA position 5621, G replaced by A.
Protein change: p.Gly1874Glu; replaces glycine 1874 with glutamic acid.
Molecular consequence: missense variant.
Genome position (GRCh38, 1-based): chr2:21,011,247, C>T on the plus strand (G>A on the coding strand, the complement: APOB is on the minus strand). VCF-style: chr2-21011247-C-T. GRCh37 (hg19) VCF-style: chr2-21234119-C-T.
Other names: short protein forms G1874E.
Identifiers: ClinVar variation 3308022 (VCV003308022.1).

ClinVar aggregate classification (germline): Uncertain significance (1 of 4 stars; one submission).

Conditions:
Cardiovascular phenotype. Identifiers: MedGen CN230736.

Submission:

Ambry Genetics
Classification: Uncertain significance for Cardiovascular phenotype. Last evaluated: 2024-05-30. Review status: criteria provided, single submitter. Criteria: Ambry Variant Classification Scheme 2023. Collection method: clinical testing. Allele origin: germline.
Comment: The p.G1874E variant (also known as c.5621G>A), located in coding exon 26 of the APOB gene, results from a G to A substitution at nucleotide position 5621. The glycine at codon 1874 is replaced by glutamic acid, an amino acid with similar properties. This amino acid position is conserved. In addition, this alteration is predicted to be tolerated by in silico analysis. Based on the available evidence, the clinical significance of this variant remains unclear.